The following is an entry in ClinVar:

NM_001040142.2(SCN2A):c.2096C>T (p.Thr699Ile)

Gene: SCN2A (sodium voltage-gated channel alpha subunit 2; plus strand). Cytogenetic location: 2q24.3.
Variant type: single nucleotide variant.
Coding change: c.2096C>T on transcript NM_001040142.2 (MANE Select); coding-DNA position 2096, C replaced by T.
Protein change: p.Thr699Ile; replaces threonine 699 with isoleucine.
Molecular consequence: missense variant.
Genome position (GRCh38, 1-based): chr2:165,326,931, C>T. VCF-style: chr2-165326931-C-T. GRCh37 (hg19) VCF-style: chr2-166183441-C-T.
Other names: c.2096C>T, p.Thr699Ile (NM_001040143.2, NM_001371246.1, NM_001371247.1 and 1 more transcripts); short protein forms T699I.
Identifiers: ClinVar variation 410978 (VCV000410978.33), dbSNP rs1060503100, ClinGen allele CA16610149.

ClinVar aggregate classification (germline): Uncertain significance. Review status: criteria provided, multiple submitters, no conflicts (2 of 4 stars). 2 submissions from 2 submitters: Uncertain significance (2). Last evaluated 2023-10-01.

Conditions:
Seizures, benign familial infantile, 3 (BFIS3). Also called: Familial neonatal seizures; CONVULSIONS, BENIGN FAMILIAL INFANTILE, 3. Identifiers: Orphanet 140927, Orphanet 306, MedGen C1843140, MONDO:0011904, OMIM 607745.
Developmental and epileptic encephalopathy, 11 (DEE11). Also called: Early infantile epileptic encephalopathy 11. Identifiers: Orphanet 1934, MedGen C3150987, MONDO:0013388, OMIM 613721.

Allele frequency attached by ClinVar (database versions not stated): gnomAD exomes below 0.00001; TOPMed below 0.00001.
gnomAD v4.1: 2 of 1,613,960 alleles (0.00012%); highest among the groups gnomAD compares: Non-Finnish European, 0.00017%; no homozygotes.

Submissions (2):

CeGaT Center for Human Genetics Tuebingen
Classification: Uncertain significance. Last evaluated: 2023-10-01. Review status: criteria provided, single submitter. Criteria: CeGaT Center For Human Genetics Tuebingen Variant Classification Criteria Version 2. Collection method: clinical testing. Allele origin: germline. Affected: yes. Observed: 1 variant allele.
Comment: SCN2A: PM2

Labcorp Genetics (formerly Invitae), Labcorp
Classification: Uncertain significance for Seizures, benign familial infantile, 3; Developmental and epileptic encephalopathy, 11. Last evaluated: 2020-04-10. Review status: criteria provided, single submitter. Criteria: Invitae Variant Classification Sherloc (09022015). Collection method: clinical testing. Allele origin: germline.
Comment: In summary, this variant is a novel missense change that is not predicted to affect protein function. There is no indication that it causes disease, but the available evidence is currently insufficient to prove that conclusively. Therefore, it has been classified as a Variant of Uncertain Significance. Algorithms developed to predict the effect of missense changes on protein structure and function (SIFT, PolyPhen-2, Align-GVGD) all suggest that this variant is likely to be tolerated, but these predictions have not been confirmed by published functional studies. This variant is not present in population databases (ExAC no frequency) and has not been reported in the literature in individuals with a SCN2A-related disease. This sequence change replaces threonine with isoleucine at codon 699 of the SCN2A protein (p.Thr699Ile). The threonine residue is weakly conserved and there is a moderate physicochemical difference between threonine and isoleucine.